The following is an entry in ClinVar:

NM_178452.6(DNAAF1):c.768G>A (p.Pro256=)

Gene: DNAAF1 (dynein axonemal assembly factor 1; plus strand). Cytogenetic location: 16q24.1.
Variant type: single nucleotide variant.
Coding change: c.768G>A on transcript NM_178452.6 (MANE Select); coding-DNA position 768, G replaced by A.
Protein change: p.Pro256=; no amino-acid change (proline 256 retained).
Molecular consequence: synonymous variant.
Genome position (GRCh38, 1-based): chr16:84,159,701, G>A. VCF-style: chr16-84159701-G-A. GRCh37 (hg19) VCF-style: chr16-84193306-G-A.
Other names: c.12G>A, p.Pro4= (NM_001318756.1); c.768G>A (NM_178452.5).
Identifiers: ClinVar variation 242166 (VCV000242166.14), dbSNP rs142601761, ClinGen allele CA8202624.

ClinVar aggregate classification (germline): Likely benign. Review status: criteria provided, multiple submitters, no conflicts (2 of 4 stars). 4 submissions from 4 submitters: Likely benign (3). 1 of the submissions does not count toward it. Last evaluated 2025-10-08.

Conditions:
DNAAF1-related disorder. Also called: DNAAF1-related condition.
Primary ciliary dyskinesia. Also called: Ciliary dyskinesia. Identifiers: Orphanet 244, MedGen C0008780, MONDO:0016575, HP:0012265.
Primary ciliary dyskinesia 13. Also called: CILIARY DYSKINESIA, PRIMARY, 13, WITH OR WITHOUT SITUS INVERSUS. Identifiers: Orphanet 244, MedGen C2750790, MONDO:0013174, OMIM 613193.

Allele frequency attached by ClinVar (database versions not stated): TOPMed 0.00004; gnomAD 0.00006; gnomAD exomes 0.00007 and 0.00008; ESP Exome Variant Server 0.00008; ExAC 0.00011.
gnomAD v4.1: 104 of 1,613,606 alleles (0.0064%); highest among the groups gnomAD compares: East Asian, 0.011%; no homozygotes.

Submissions (4):

Labcorp Genetics (formerly Invitae), Labcorp
Classification: Likely benign for Primary ciliary dyskinesia. Last evaluated: 2025-10-08. Review status: criteria provided, single submitter. Criteria: Invitae Variant Classification Sherloc (09022015). Collection method: clinical testing. Allele origin: germline.

Fulgent Genetics
Classification: Likely benign for Primary ciliary dyskinesia 13. Last evaluated: 2022-04-11. Review status: criteria provided, single submitter. Criteria: ACMG Guidelines, 2015. Collection method: clinical testing. Allele origin: unknown.

Ambry Genetics
Classification: Likely benign for Primary ciliary dyskinesia. Last evaluated: 2019-01-14. Review status: criteria provided, single submitter. Criteria: Ambry Variant Classification Scheme 2023. Collection method: clinical testing. Allele origin: germline.

PreventionGenetics, part of Exact Sciences
Classification: Likely benign for DNAAF1-related condition. Last evaluated: 2019-02-28. Review status: no assertion criteria provided. Collection method: clinical testing. Allele origin: germline. Not counted in ClinVar's aggregate classification.
Comment: This variant is classified as likely benign based on ACMG/AMP sequence variant interpretation guidelines (Richards et al. 2015 PMID: 25741868, with internal and published modifications).